The following is an entry in ClinVar:

NC_000023.11:g.71111644G>A

Genes: IL2RG (interleukin 2 receptor subunit gamma; minus strand), LOC126863274 (MED14-independent group 3 enhancer GRCh37_chrX:70330888-70332087; plus strand). Cytogenetic location: Xq13.1.
Variant type: single nucleotide variant.
Genome position: GRCh38 VCF-style: chrX-71111644-G-A. GRCh37 (hg19) VCF-style: chrX-70331494-G-A.
Identifiers: ClinVar variation 575886 (VCV000575886.11), dbSNP rs1396169268, ClinGen allele CA877809970.

ClinVar aggregate classification (germline): Conflicting classifications of pathogenicity. Review status: criteria provided, conflicting classifications (1 of 4 stars). 3 submissions from 3 submitters: Likely pathogenic (1); Uncertain significance (2). Last evaluated 2025-06-18.

Conditions:
IL2RG-related disorder. Also called: IL2RG-related condition.
IL2RG-related disorders.
X-linked severe combined immunodeficiency (SCIDX1). Also called: X-Linked Combined Immunodeficiency Diseases; IMMUNODEFICIENCY 4; SCID, X-LINKED; SEVERE COMBINED IMMUNODEFICIENCY, X-LINKED, T CELL-NEGATIVE, B CELL-POSITIVE, NK CELL-NEGATIVE; T-B+ severe combined immunodeficiency due to gamma chain deficiency. Identifiers: Orphanet 276, MedGen C6022468, MONDO:0010315, OMIM 300400. Disease mechanism: loss of function.

Allele frequency attached by ClinVar (database versions not stated): TOPMed 0.00001.

Submissions (3):

PreventionGenetics, part of Exact Sciences
Classification: Uncertain significance for IL2RG-related condition. Last evaluated: 2025-06-18. Review status: criteria provided, single submitter. Criteria: ACMG Guidelines, 2015. Collection method: clinical testing. Allele origin: germline.
Comment: The IL2RG c.-105C>T variant is located in the 5' untranslated region. This variant has been reported in two males with mild/atypical combined immunodeficiency (Chandra et al. 2016. PubMed ID: 26525228; Firtina et al. 2020. PubMed ID: 32445296). This variant has not been reported in a large population database (gnomAD); however, the coverage of this variant should be interpreted with caution. Functional studies in ED7R cells showed reduced IL2RG activity compared to wildtype (Chandra et al. 2016. PubMed ID: 26525228). Although we suspect that this variant may be pathogenic, at this time, the clinical significance of this variant is uncertain due to the absence of conclusive functional and genetic evidence.

Labcorp Genetics (formerly Invitae), Labcorp
Classification: Uncertain significance for X-linked severe combined immunodeficiency. Last evaluated: 2024-01-15. Review status: criteria provided, single submitter. Criteria: Invitae Variant Classification Sherloc (09022015). Collection method: clinical testing. Allele origin: germline.
Comment: This variant occurs in a non-coding region of the IL2RG gene. It does not change the encoded amino acid sequence of the IL2RG protein. The frequency data for this variant in the population databases is considered unreliable, as metrics indicate insufficient coverage at this position in the gnomAD database. This variant has been observed in individual(s) with common variable immunodeficiency (CVID) (PMID: 26525228). ClinVar contains an entry for this variant (Variation ID: 575886). Algorithms developed to predict the effect of variants on protein structure and function are not available or were not evaluated for this variant. Experimental studies have shown that this variant affects IL2RG function (PMID: 26525228). In summary, the available evidence is currently insufficient to determine the role of this variant in disease. Therefore, it has been classified as a Variant of Uncertain Significance.

Blueprint Genetics
Classification: Likely pathogenic for IL2RG-related disorders. Last evaluated: 2023-07-26. Review status: criteria provided, single submitter. Criteria: ACMG Guidelines, 2015. Collection method: clinical testing. Allele origin: germline. Affected: yes. Observed: 5 variant alleles.

Literature cited by the submitters: PubMed 26525228 (cited by Labcorp Genetics (formerly Invitae), Labcorp).